The following is an entry in ClinVar:

ClinVar aggregate classification (germline): Benign (1 of 4 stars; one submission).

Submission:

Laboratory for Molecular Medicine, Mass General Brigham Personalized Medicine
Classification: Benign. Last evaluated: 2013-10-05. Review status: criteria provided, single submitter. Criteria: LMM Criteria. Collection method: clinical testing. Allele origin: germline. Observed: 11 variant alleles.
Comment: m.1048C>T in MT-RNR1:This variant is not expected to have clinical significance because it has been reported as a common polymorphism seen across several ethnic populations by evolutionary phylogenetic studies (Human Mitochondrial Genome Da tabase; MITOMAP).

Literature cited by the submitters: PubMed 15841390; PubMed 8254046; PubMed 16172508.

NC_012920.1(MT-RNR1):m.1048C>T

Gene: MT-RNR1 (mitochondrially encoded 12S RNA; plus strand).
Variant type: single nucleotide variant.
Genome position: chrM-1048-C-T.
Identifiers: ClinVar variation 42204 (VCV000042204.4), dbSNP rs2000974, ClinGen allele CA130991.